The following is an entry in ClinVar:

ClinVar aggregate classification (germline): Uncertain significance (1 of 4 stars; one submission).

Submission:

GeneDx
Classification: Uncertain significance. Last evaluated: 2025-06-27. Review status: criteria provided, single submitter. Criteria: GeneDx Variant Classification Process June 2021. Collection method: clinical testing. Allele origin: germline. Affected: yes.
Comment: Not observed at significant frequency in large population cohorts (gnomAD); In silico analysis supports that this missense variant has a deleterious effect on protein structure/function; Has not been previously published as pathogenic or benign to our knowledge; This variant is associated with the following publications: (PMID: 27311832)

NM_004380.3(CREBBP):c.5501A>C (p.Gln1834Pro)

Gene: CREBBP (CREB binding lysine acetyltransferase; minus strand). Cytogenetic location: 16p13.3.
Variant type: single nucleotide variant.
Coding change: c.5501A>C on transcript NM_004380.3 (MANE Select); coding-DNA position 5501, A replaced by C.
Protein change: p.Gln1834Pro; replaces glutamine 1834 with proline.
Molecular consequence: missense variant.
Genome position (GRCh38, 1-based): chr16:3,729,546, T>G on the plus strand (A>C on the coding strand, the complement: CREBBP is on the minus strand). VCF-style: chr16-3729546-T-G. GRCh37 (hg19) VCF-style: chr16-3779547-T-G.
Other names: c.5387A>C, p.Gln1796Pro (NM_001079846.1); short protein forms Q1796P, Q1834P.
Identifiers: ClinVar variation 4539920 (VCV004539920.1).